The following is an entry in ClinVar:

NM_000051.4(ATM):c.2234T>G (p.Leu745Ter)

Gene: ATM (ATM serine/threonine kinase; plus strand). Cytogenetic location: 11q22.3.
Variant type: single nucleotide variant.
Coding change: c.2234T>G on transcript NM_000051.4 (MANE Select); coding-DNA position 2234, T replaced by G.
Protein change: p.Leu745Ter; replaces leucine 745 with a stop codon.
Molecular consequence: nonsense.
Genome position (GRCh38, 1-based): chr11:108,256,324, T>G. VCF-style: chr11-108256324-T-G. GRCh37 (hg19) VCF-style: chr11-108127051-T-G.
Other names: c.2234T>G, p.Leu745Ter (NM_001351834.2); short protein forms L745*.
Identifiers: ClinVar variation 3251656 (VCV003251656.1), dbSNP rs2135394591.

ClinVar aggregate classification (germline): Pathogenic (1 of 4 stars; one submission).

Conditions:
Malignant tumor of breast. Also called: Malignant breast neoplasm; Cancer breast. Identifiers: MedGen C0006142, MONDO:0007254. Disease mechanism: loss of function.

Submission:

Women's Health and Genetics/Laboratory Corporation of America, LabCorp
Classification: Pathogenic for Malignant tumor of breast. Last evaluated: 2024-04-26. Review status: criteria provided, single submitter. Criteria: LabCorp Variant Classification Summary - May 2015. Collection method: clinical testing. Allele origin: germline.
Comment: Variant summary: ATM c.2234T>G (p.Leu745X) results in a premature termination codon, predicted to cause a truncation of the encoded protein or absence of the protein due to nonsense mediated decay, which are commonly known mechanisms for disease. The variant was absent in 251130 control chromosomes. To our knowledge, no occurrence of c.2234T>G in individuals affected with Breast Cancer and no experimental evidence demonstrating its impact on protein function have been reported. No submitters have cited clinical-significance assessments for this variant to ClinVar. Based on the evidence outlined above, the variant was classified as pathogenic.